The following is an entry in ClinVar:

ClinVar aggregate classification (germline): Uncertain significance. Review status: criteria provided, multiple submitters, no conflicts (2 of 4 stars). 2 submissions from 2 submitters: Uncertain significance (2). Last evaluated 2024-04-04.

Conditions:
Hyper-IgE recurrent infection syndrome 1, autosomal dominant. Also called: HYPER-IgE SYNDROME 1, AUTOSOMAL DOMINANT, WITH RECURRENT INFECTIONS; STAT3 Hyper IgE Syndrome; Hyper-IgE recurrent infection syndrome 1; JOB SYNDROME; Job's Syndrome. Identifiers: Orphanet 2314, MedGen C2936739, MONDO:0007818, OMIM 147060.
STAT3 gain of function. Identifiers: MedGen C4288261.

Allele frequency attached by ClinVar (database versions not stated): gnomAD exomes below 0.00001; TOPMed below 0.00001.
gnomAD v4.1: 1 of 1,614,158 alleles (0.000062%); highest among the groups gnomAD compares: Non-Finnish European, 0.000085%; no homozygotes.

Submissions (2):

Genomic Medicine Center of Excellence, King Faisal Specialist Hospital and Research Centre
Classification: Uncertain significance for Hyper-IgE recurrent infection syndrome 1, autosomal dominant. Last evaluated: 2024-04-04. Review status: criteria provided, single submitter. Criteria: ACMG Guidelines, 2015. Collection method: clinical testing. Allele origin: germline.

Labcorp Genetics (formerly Invitae), Labcorp
Classification: Uncertain significance for STAT3 gain of function; Hyper-IgE recurrent infection syndrome 1, autosomal dominant. Last evaluated: 2022-06-21. Review status: criteria provided, single submitter. Criteria: Invitae Variant Classification Sherloc (09022015). Collection method: clinical testing. Allele origin: germline.
Comment: In summary, the available evidence is currently insufficient to determine the role of this variant in disease. Therefore, it has been classified as a Variant of Uncertain Significance. This sequence change replaces arginine, which is basic and polar, with glutamine, which is neutral and polar, at codon 325 of the STAT3 protein (p.Arg325Gln). This variant is not present in population databases (gnomAD no frequency). This variant has not been reported in the literature in individuals affected with STAT3-related conditions. Advanced modeling of protein sequence and biophysical properties (such as structural, functional, and spatial information, amino acid conservation, physicochemical variation, residue mobility, and thermodynamic stability) performed at Invitae indicates that this missense variant is expected to disrupt STAT3 protein function. Algorithms developed to predict the effect of sequence changes on RNA splicing suggest that this variant may create or strengthen a splice site.

NM_139276.3(STAT3):c.974G>A (p.Arg325Gln)

Gene: STAT3 (signal transducer and activator of transcription 3; minus strand). Cytogenetic location: 17q21.2.
Variant type: single nucleotide variant.
Coding change: c.974G>A on transcript NM_139276.3 (MANE Select); coding-DNA position 974, G replaced by A.
Protein change: p.Arg325Gln; replaces arginine 325 with glutamine.
Molecular consequence: missense variant.
Genome position (GRCh38, 1-based): chr17:42,333,748, C>T on the plus strand (G>A on the coding strand, the complement: STAT3 is on the minus strand). VCF-style: chr17-42333748-C-T. GRCh37 (hg19) VCF-style: chr17-40485766-C-T.
Other names: c.974G>A, p.Arg325Gln (NM_001369519.1, NM_001369520.1, NM_001384984.1 and 15 more transcripts); c.896G>A, p.Arg299Gln (NM_001384985.1); c.878G>A, p.Arg293Gln (NM_001384989.1); short protein forms R325Q, R293Q, R299Q.
Identifiers: ClinVar variation 1934569 (VCV001934569.6), dbSNP rs1281630344, ClinGen allele CA399590771.
Genomic context (GRCh38, chr17:42,333,748, plus strand): 5'-AACTGGACGCCGGTCTTGATGACGAGGGGCCGGTCAGGATGCATGGGCATGCAGGGCTGC[C>T]GCTCCACCACAAAGGCACTGAGGAAAGAGAAGATGGGCTCACGCGCCACGGCCATGACCA-3'
Protein context (NP_644805.1, residues 315-335): NLMKSAFVVE[Arg325Gln]QPCMPMHPDR